The following is an entry in ClinVar:

ClinVar aggregate classification (germline): Uncertain significance (1 of 4 stars; one submission).

Conditions:
Hereditary cancer-predisposing syndrome. Also called: Neoplastic Syndromes, Hereditary; Tumor predisposition; Hereditary Cancer Syndrome; Hereditary neoplastic syndrome. Identifiers: Orphanet 140162, MedGen C0027672, MeSH D009386, MONDO:0015356.

Submission:

Ambry Genetics
Classification: Uncertain significance for Hereditary cancer-predisposing syndrome. Last evaluated: 2026-04-05. Review status: criteria provided, single submitter. Criteria: Ambry Variant Classification Scheme 2023. Collection method: clinical testing. Allele origin: germline.
Comment: The p.Q610P variant (also known as c.1829A>C), located in coding exon 10 of the ALK gene, results from an A to C substitution at nucleotide position 1829. The glutamine at codon 610 is replaced by proline, an amino acid with similar properties. This amino acid position is conserved. In addition, this alteration is predicted to be tolerated by in silico analysis. Based on the available evidence, the clinical significance of this variant remains unclear.

NM_004304.5(ALK):c.1829A>C (p.Gln610Pro)

Gene: ALK (ALK receptor tyrosine kinase; minus strand). Cytogenetic location: 2p23.2.
Variant type: single nucleotide variant.
Coding change: c.1829A>C on transcript NM_004304.5 (MANE Select); coding-DNA position 1829, A replaced by C.
Protein change: p.Gln610Pro; replaces glutamine 610 with proline.
Molecular consequence: missense variant.
Genome position (GRCh38, 1-based): chr2:29,275,485, T>G on the plus strand (A>C on the coding strand, the complement: ALK is on the minus strand). VCF-style: chr2-29275485-T-G. GRCh37 (hg19) VCF-style: chr2-29498351-T-G.
Other names: short protein forms Q610P.
Identifiers: ClinVar variation 4870023 (VCV004870023.1).
Genomic context (GRCh38, chr2:29,275,485, plus strand): 5'-ATGGAGATATTGTCAAAAGCCACGATGGCTCTGGATCCTTGTCCCCACCATGCGACCATC[T>G]GCAGCCAGAACCTGTACACATCAAGAGGAATGTGTGTGAGGAGCAAACTGGGGGGTCTTG-3'
Protein context (NP_004295.2, residues 600-620): LLDVSDRFWL[Gln610Pro]MVAWWGQGSR